The following is an entry in ClinVar:

NM_001144952.2(SDK2):c.2338A>G (p.Ser780Gly)

Gene: SDK2 (sidekick cell adhesion molecule 2; minus strand). Cytogenetic location: 17q25.1.
Variant type: single nucleotide variant.
Coding change: c.2338A>G on transcript NM_001144952.2 (MANE Select); coding-DNA position 2338, A replaced by G.
Protein change: p.Ser780Gly; replaces serine 780 with glycine.
Molecular consequence: missense variant.
Genome position (GRCh38, 1-based): chr17:73,415,841, T>C on the plus strand (A>G on the coding strand, the complement: SDK2 is on the minus strand). VCF-style: chr17-73415841-T-C. GRCh37 (hg19) VCF-style: chr17-71411980-T-C.
Other names: short protein forms S780G.
Identifiers: ClinVar variation 3034618 (VCV003034618.3), dbSNP rs139142614, ClinGen allele CA8743527.

ClinVar aggregate classification (germline): Uncertain significance. Review status: criteria provided, single submitter (1 of 4 stars). 2 submissions from 2 submitters: Uncertain significance (1). 1 of the submissions does not count toward it. Last evaluated 2025-11-24.

Conditions:
SDK2-related disorder. Also called: SDK2-related condition.

Allele frequency attached by ClinVar (database versions not stated): gnomAD exomes 0.00013; 1000 Genomes Project 30x 0.00094; ExAC 0.00033; 1000 Genomes Project 0.00100; TOPMed 0.00147; gnomAD 0.00118; ESP Exome Variant Server 0.00116.
gnomAD v4.1: 413 of 1,557,058 alleles (0.027%); highest among the groups gnomAD compares: African/African-American, 0.42%; 5 homozygotes.

Submissions (2):

Ambry Genetics
Classification: Uncertain significance. Last evaluated: 2025-11-24. Review status: criteria provided, single submitter. Criteria: Ambry Variant Classification Scheme 2023. Collection method: clinical testing. Allele origin: germline.

PreventionGenetics, part of Exact Sciences
Classification: Likely benign for SDK2-related condition. Last evaluated: 2023-02-27. Review status: no assertion criteria provided. Collection method: clinical testing. Allele origin: germline. Not counted in ClinVar's aggregate classification.
Comment: This variant is classified as likely benign based on ACMG/AMP sequence variant interpretation guidelines (Richards et al. 2015 PMID: 25741868, with internal and published modifications).